The following is an entry in ClinVar:

ClinVar aggregate classification (germline): Uncertain significance. Review status: criteria provided, multiple submitters, no conflicts (2 of 4 stars). 3 submissions from 3 submitters: Uncertain significance (3). Last evaluated 2025-06-28.

Conditions:
Inborn genetic diseases. Identifiers: MedGen C0950123, MeSH D030342.

gnomAD v4.1: 6 of 1,561,790 alleles (0.00038%); highest among the groups gnomAD compares: Admixed American, 0.0077%; no homozygotes.

Submissions (3):

Mayo Clinic Laboratories, Mayo Clinic
Classification: Uncertain significance. Last evaluated: 2025-06-28. Review status: criteria provided, single submitter. Criteria: ACMG Guidelines, 2015. Collection method: clinical testing. Allele origin: germline. Observed: 1 variant allele.
Comment: PP3_moderate, PM2_supporting

Ambry Genetics
Classification: Uncertain significance for Inborn genetic diseases. Last evaluated: 2024-09-03. Review status: criteria provided, single submitter. Criteria: Ambry Variant Classification Scheme 2023. Collection method: clinical testing. Allele origin: germline.

Labcorp Genetics (formerly Invitae), Labcorp
Classification: Uncertain significance. Last evaluated: 2024-03-30. Review status: criteria provided, single submitter. Criteria: Invitae Variant Classification Sherloc (09022015). Collection method: clinical testing. Allele origin: germline.
Comment: This sequence change replaces threonine, which is neutral and polar, with arginine, which is basic and polar, at codon 248 of the SLC26A1 protein (p.Thr248Arg). This variant is present in population databases (no rsID available, gnomAD 0.004%). This variant has not been reported in the literature in individuals affected with SLC26A1-related conditions. Advanced modeling of protein sequence and biophysical properties (such as structural, functional, and spatial information, amino acid conservation, physicochemical variation, residue mobility, and thermodynamic stability) has been performed at Invitae for this missense variant, however the output from this modeling did not meet the statistical confidence thresholds required to predict the impact of this variant on SLC26A1 protein function. In summary, the available evidence is currently insufficient to determine the role of this variant in disease. Therefore, it has been classified as a Variant of Uncertain Significance.

NM_022042.4(SLC26A1):c.743C>G (p.Thr248Arg)

Genes: IDUA (alpha-L-iduronidase; plus strand), SLC26A1 (solute carrier family 26 member 1; minus strand). Cytogenetic location: 4p16.3.
Variant type: single nucleotide variant.
Coding change: c.743C>G on transcript NM_022042.4 (MANE Select); coding-DNA position 743, C replaced by G.
Protein change: p.Thr248Arg; replaces threonine 248 with arginine.
Molecular consequence: missense variant. On other transcripts: intron variant (2).
Genome position (GRCh38, 1-based): chr4:990,196, G>C on the plus strand (C>G on the coding strand, the complement: SLC26A1 is on the minus strand). VCF-style: chr4-990196-G-C. GRCh37 (hg19) VCF-style: chr4-983984-G-C.
Other names: p.Thr248Arg; c.743C>G, p.Thr248Arg (NM_213613.4); c.576+932C>G (NM_134425.4); c.299+2247G>C (NM_000203.5); short protein forms T248R.
Identifiers: ClinVar variation 3443544 (VCV003443544.4).
Genomic context (GRCh38, chr4:990,196, plus strand): 5'-GTGCTGGTGACCACGTCGCACACGTTGGCCTGCCCGGCGCCGCGCAGCAGGCTCAGCCAT[G>C]TGAGGACCACCATGCCGGGCCCCTGGTGCCGCGGGATCCGCACGCCCAGCAGGTGTTTGA-3'
Protein context (NP_071325.2, residues 238-258): RHQGPGMVVL[Thr248Arg]WLSLLRGAGQ